The following is an entry in ClinVar:

NM_001146.5(ANGPT1):c.667G>A (p.Val223Ile)

Gene: ANGPT1 (angiopoietin 1; minus strand). Cytogenetic location: 8q23.1.
Variant type: single nucleotide variant.
Coding change: c.667G>A on transcript NM_001146.5 (MANE Select); coding-DNA position 667, G replaced by A.
Protein change: p.Val223Ile; replaces valine 223 with isoleucine.
Molecular consequence: missense variant.
Genome position (GRCh38, 1-based): chr8:107,322,037, C>T on the plus strand (G>A on the coding strand, the complement: ANGPT1 is on the minus strand). VCF-style: chr8-107322037-C-T. GRCh37 (hg19) VCF-style: chr8-108334265-C-T.
Other names: c.667G>A, p.Val223Ile (NM_001199859.3); c.67G>A, p.Val23Ile (NM_001314051.2); short protein forms V223I, V23I.
Identifiers: ClinVar variation 1969459 (VCV001969459.5), dbSNP rs1361052042, ClinGen allele CA372034101.
Genomic context (GRCh38, chr8:107,322,037, plus strand): 5'-TGGTGGTAGCTCTGTTTAATTGCTTTTCCAGCTCCTGGATTATATATGTTTGACGAGTAA[C>T]CAAGCCTTGAAGGTTCTCTTTCTCTTCCTTTAAGGTGTCCAACTCTTCCTTGTGTTTTCC-3'
Protein context (NP_001137.2, residues 213-233): KEEKENLQGL[Val223Ile]TRQTYIIQEL

ClinVar aggregate classification (germline): Uncertain significance (1 of 4 stars; one submission).

Allele frequency attached by ClinVar (database versions not stated): TOPMed 0.00015; gnomAD 0.00015.
gnomAD v4.1: 37 of 1,613,786 alleles (0.0023%); highest among the groups gnomAD compares: Admixed American, 0.057%; no homozygotes.

Submission:

Labcorp Genetics (formerly Invitae), Labcorp
Classification: Uncertain significance. Last evaluated: 2026-02-01. Review status: criteria provided, single submitter. Criteria: Invitae Variant Classification Sherloc (09022015). Collection method: clinical testing. Allele origin: germline.
Comment: This sequence change replaces valine, which is neutral and non-polar, with isoleucine, which is neutral and non-polar, at codon 223 of the ANGPT1 protein (p.Val223Ile). This variant is present in population databases (no rsID available, gnomAD 0.04%). This variant has not been reported in the literature in individuals affected with ANGPT1-related conditions. ClinVar contains an entry for this variant (Variation ID: 1969459). An algorithm developed to predict the effect of missense changes on protein structure and function (PolyPhen-2) suggests that this variant is likely to be tolerated. In summary, the available evidence is currently insufficient to determine the role of this variant in disease. Therefore, it has been classified as a Variant of Uncertain Significance.